The following is an entry in ClinVar:

NC_000016.9:g.(?_68771319)_(68849672_?)del

Gene: CDH1 (cadherin 1; plus strand). Cytogenetic location: 16q22.1.
Variant type: Deletion.
Identifiers: ClinVar variation 1460200 (VCV001460200.5).

ClinVar aggregate classification (germline): Pathogenic (1 of 4 stars; one submission).

Conditions:
Hereditary diffuse gastric adenocarcinoma (HDGC). Also called: DIFFUSE GASTRIC AND LOBULAR BREAST CANCER SYNDROME. Identifiers: Orphanet 26106, MedGen C1708349, MONDO:0007648, OMIM 137215.

Submission:

Labcorp Genetics (formerly Invitae), Labcorp
Classification: Pathogenic for Hereditary diffuse gastric adenocarcinoma. Last evaluated: 2020-12-23. Review status: criteria provided, single submitter. Criteria: Invitae Variant Classification Sherloc (09022015). Collection method: clinical testing. Allele origin: germline.
Comment: For these reasons, this variant has been classified as Pathogenic. This variant has not been reported in the literature in individuals with CDH1-related conditions. This variant is a gross deletion of the genomic region encompassing exon(s) 1-10 of the CDH1 gene, which includes the initiator codon. The 5' end of this event is unknown as it extends beyond the assayed region for this gene and therefore may encompass additional genes. The 3' boundary is likely confined to intron 10 of the CDH1 gene. It is expected to result in an absent or disrupted protein product. Loss-of-function variants in CDH1 are known to be pathogenic (PMID: 15235021, 20373070).

Literature cited by the submitters: PubMed 15235021; PubMed 20373070.